The following is an entry in ClinVar:

NM_001845.6(COL4A1):c.2993G>A (p.Ser998Asn)

Gene: COL4A1 (collagen type IV alpha 1 chain; minus strand). Cytogenetic location: 13q34.
Variant type: single nucleotide variant.
Coding change: c.2993G>A on transcript NM_001845.6 (MANE Select); coding-DNA position 2993, G replaced by A.
Protein change: p.Ser998Asn; replaces serine 998 with asparagine.
Molecular consequence: missense variant.
Genome position (GRCh38, 1-based): chr13:110,176,489, C>T on the plus strand (G>A on the coding strand, the complement: COL4A1 is on the minus strand). VCF-style: chr13-110176489-C-T. GRCh37 (hg19) VCF-style: chr13-110828836-C-T.
Other names: c.2993G>A (NM_001845.4); short protein forms S998N.
Identifiers: ClinVar variation 2079735 (VCV002079735.8), dbSNP rs1877890954, ClinGen allele CA388665920.

ClinVar aggregate classification (germline): Uncertain significance. Review status: criteria provided, multiple submitters, no conflicts (2 of 4 stars). 3 submissions from 3 submitters: Uncertain significance (3). Last evaluated 2025-11-16.

Conditions:
Inborn genetic diseases. Identifiers: MedGen C0950123, MeSH D030342.

Allele frequency attached by ClinVar (database versions not stated): TOPMed 0.00002.

Submissions (3):

Labcorp Genetics (formerly Invitae), Labcorp
Classification: Uncertain significance. Last evaluated: 2025-11-16. Review status: criteria provided, single submitter. Criteria: Invitae Variant Classification Sherloc (09022015). Collection method: clinical testing. Allele origin: germline.
Comment: This sequence change replaces serine, which is neutral and polar, with asparagine, which is neutral and polar, at codon 998 of the COL4A1 protein (p.Ser998Asn). This variant is not present in population databases (gnomAD no frequency). This variant has not been reported in the literature in individuals affected with COL4A1-related conditions. ClinVar contains an entry for this variant (Variation ID: 2079735). Invitae Evidence Modeling of protein sequence and biophysical properties (such as structural, functional, and spatial information, amino acid conservation, physicochemical variation, residue mobility, and thermodynamic stability) indicates that this missense variant is not expected to disrupt COL4A1 protein function with a negative predictive value of 95%. In summary, the available evidence is currently insufficient to determine the role of this variant in disease. Therefore, it has been classified as a Variant of Uncertain Significance.

Ambry Genetics
Classification: Uncertain significance for Inborn genetic diseases. Last evaluated: 2025-08-10. Review status: criteria provided, single submitter. Criteria: Ambry Variant Classification Scheme 2023. Collection method: clinical testing. Allele origin: germline.

Revvity Omics, Revvity
Classification: Uncertain significance. Last evaluated: 2021-10-25. Review status: criteria provided, single submitter. Criteria: ACMG Guidelines, 2015. Collection method: clinical testing. Allele origin: germline.